The following is an entry in ClinVar:

NM_018451.5(CPAP):c.1838T>C (p.Met613Thr)

Gene: CPAP (centrosome assembly and centriole elongation protein; minus strand). Cytogenetic location: 13q12.13.
Variant type: single nucleotide variant.
Coding change: c.1838T>C on transcript NM_018451.5 (MANE Select); coding-DNA position 1838, T replaced by C.
Protein change: p.Met613Thr; replaces methionine 613 with threonine.
Molecular consequence: missense variant. On other transcripts: non-coding transcript variant (2).
Genome position (GRCh38, 1-based): chr13:24,906,200, A>G on the plus strand (T>C on the coding strand, the complement: CPAP is on the minus strand). VCF-style: chr13-24906200-A-G. GRCh37 (hg19) VCF-style: chr13-25480338-A-G.
Other names: short protein forms M613T.
Identifiers: ClinVar variation 1386840 (VCV001386840.6), dbSNP rs1197292727, ClinGen allele CA387586654.
Genomic context (GRCh38, chr13:24,906,200, plus strand): 5'-TGACTAATGGGATCTGCCGGATTTGTCTTCTGTGGCACAGCTTTGACAGGGGTGGAAGAC[A>G]TCCGGTGACCTTTGCAGATCTGTTGATCCCTTTCTAAGATTTTCAGTACAAATGAGGAAT-3'
Protein context (NP_060921.3, residues 603-623): RDQQICKGHR[Met613Thr]SSTPVKAVPQ

ClinVar aggregate classification (germline): Uncertain significance (1 of 4 stars; one submission).

Allele frequency attached by ClinVar (database versions not stated): gnomAD exomes below 0.00001; gnomAD 0.00001; TOPMed 0.00001.
gnomAD v4.1: 2 of 1,613,350 alleles (0.00012%); highest among the groups gnomAD compares: African/African-American, 0.0013%; no homozygotes.

Submission:

Labcorp Genetics (formerly Invitae), Labcorp
Classification: Uncertain significance. Last evaluated: 2022-04-08. Review status: criteria provided, single submitter. Criteria: Invitae Variant Classification Sherloc (09022015). Collection method: clinical testing. Allele origin: germline.
Comment: This variant has not been reported in the literature in individuals affected with CENPJ-related conditions. This sequence change replaces methionine, which is neutral and non-polar, with threonine, which is neutral and polar, at codon 613 of the CENPJ protein (p.Met613Thr). This variant is present in population databases (no rsID available, gnomAD no frequency). Algorithms developed to predict the effect of missense changes on protein structure and function are either unavailable or do not agree on the potential impact of this missense change (SIFT: "Deleterious"; PolyPhen-2: "Possibly Damaging"; Align-GVGD: "Class C0"). In summary, the available evidence is currently insufficient to determine the role of this variant in disease. Therefore, it has been classified as a Variant of Uncertain Significance.